The following is an entry in ClinVar:

NM_012310.5(KIF4A):c.3352C>T (p.Arg1118Trp)

Gene: KIF4A (kinesin family member 4A; plus strand). Cytogenetic location: Xq13.1.
Variant type: single nucleotide variant.
Coding change: c.3352C>T on transcript NM_012310.5 (MANE Select); coding-DNA position 3352, C replaced by T.
Protein change: p.Arg1118Trp; replaces arginine 1118 with tryptophan.
Molecular consequence: missense variant.
Genome position (GRCh38, 1-based): chrX:70,417,984, C>T. VCF-style: chrX-70417984-C-T. GRCh37 (hg19) VCF-style: chrX-69637834-C-T.
Other names: short protein forms R1118W.
Identifiers: ClinVar variation 5001560 (VCV005001560.1).
Genomic context (GRCh38, chrX:70,417,984, plus strand): 5'-GGGTGCAGGAAGCAAAAGTCAGACTGTGGTGTGGACTGTTGCTGTGACCCCACAAAGTGT[C>T]GGAACCGCCAGCAAGGCAAGGTAGGATCAGGGCTGTTTCCTCTCCCCTTCCCTTCAGACC-3'
Protein context (NP_036442.3, residues 1108-1128): VDCCCDPTKC[Arg1118Trp]NRQQGKDSLG

ClinVar aggregate classification (germline): Uncertain significance (1 of 4 stars; one submission).

Conditions:
KIF4A-related disorder. Also called: KIF4A-related condition.

gnomAD v4.1: 9 of 1,207,132 alleles (0.00075%); highest among the groups gnomAD compares: Middle Eastern, 0.023%; no homozygotes.

Submission:

PreventionGenetics, part of Exact Sciences
Classification: Uncertain significance for KIF4A-related condition. Last evaluated: 2026-03-01. Review status: criteria provided, single submitter. Criteria: ACMG Guidelines, 2015. Collection method: clinical testing. Allele origin: germline.
Comment: The KIF4A c.3352C>T variant is predicted to result in the amino acid substitution p.Arg1118Trp. This variant has been reported in the hemizygous state in an individual with epilepsy (Zou et al. 2021. PubMed ID: 34145886), and was found to be maternally inherited. This variant is reported in 0.0093% of alleles in individuals of European (Non-Finnish) descent in gnomAD. At this time, the clinical significance of this variant is uncertain due to the absence of conclusive functional and genetic evidence.